The following is an entry in ClinVar:

NM_006348.5(COG5):c.2078C>T (p.Ala693Val)

Gene: COG5 (component of oligomeric golgi complex 5; minus strand). Cytogenetic location: 7q22.3.
Variant type: single nucleotide variant.
Coding change: c.2078C>T on transcript NM_006348.5 (MANE Select); coding-DNA position 2078, C replaced by T.
Protein change: p.Ala693Val; replaces alanine 693 with valine.
Molecular consequence: missense variant. On other transcripts: intron variant (1).
Genome position (GRCh38, 1-based): chr7:107,236,463, G>A on the plus strand (C>T on the coding strand, the complement: COG5 is on the minus strand). VCF-style: chr7-107236463-G-A. GRCh37 (hg19) VCF-style: chr7-106876908-G-A.
Other names: c.2078C>T, p.Ala693Val (NM_001161520.2, NM_001379513.1); c.1916C>T, p.Ala639Val (NM_001379511.1); c.1904C>T, p.Ala635Val (NM_001379512.1); c.1508C>T, p.Ala503Val (NM_001379515.1); c.1364C>T, p.Ala455Val (NM_001379516.1); c.2015C>T, p.Ala672Val (NM_181733.4); c.1853+11933C>T (NM_001379514.1); short protein forms A455V, A503V, A639V, A635V, A672V, A693V.
Identifiers: ClinVar variation 1388015 (VCV001388015.7), dbSNP rs751843896, ClinGen allele CA4430713.
Genomic context (GRCh38, chr7:107,236,463, plus strand): 5'-TATTGAGGCCAAAACATTTTTTCTTTTGTAGTAATTCATCAATGTACCTGTGCAAAATCA[G>A]CAGCAAGTCGCATTTTCCCACCTTCACCAAGAGGTCTTATGAGACTGGCATGGCGGATAA-3'
Protein context (NP_006339.4, residues 683-703): LGEGGKMRLA[Ala693Val]DFAQMELAVG

ClinVar aggregate classification (germline): Uncertain significance. Review status: criteria provided, multiple submitters, no conflicts (2 of 4 stars). 2 submissions from 2 submitters: Uncertain significance (2). Last evaluated 2021-07-23.

Conditions:
COG5-congenital disorder of glycosylation. Also called: CONGENITAL DISORDER OF GLYCOSYLATION, TYPE IIi; CDG IIi; COG5-CDG. Identifiers: Orphanet 263487, MedGen C3150876, MONDO:0013325, OMIM 613612.

Allele frequency attached by ClinVar (database versions not stated): gnomAD exomes below 0.00001 and 0.00001; ExAC 0.00001.
gnomAD v4.1: 11 of 1,613,488 alleles (0.00068%); highest among the groups gnomAD compares: South Asian, 0.012%; no homozygotes.

Submissions (2):

Fulgent Genetics
Classification: Uncertain significance for COG5-congenital disorder of glycosylation. Last evaluated: 2021-07-23. Review status: criteria provided, single submitter. Criteria: ACMG Guidelines, 2015. Collection method: clinical testing. Allele origin: unknown.

Labcorp Genetics (formerly Invitae), Labcorp
Classification: Uncertain significance for COG5-congenital disorder of glycosylation. Last evaluated: 2021-04-02. Review status: criteria provided, single submitter. Criteria: Invitae Variant Classification Sherloc (09022015). Collection method: clinical testing. Allele origin: germline.
Comment: This sequence change replaces alanine with valine at codon 724 of the COG5 protein (p.Ala724Val). The alanine residue is highly conserved and there is a small physicochemical difference between alanine and valine. In summary, the available evidence is currently insufficient to determine the role of this variant in disease. Therefore, it has been classified as a Variant of Uncertain Significance. Algorithms developed to predict the effect of missense changes on protein structure and function (SIFT, PolyPhen-2, Align-GVGD) all suggest that this variant is likely to be tolerated, but these predictions have not been confirmed by published functional studies and their clinical significance is uncertain. This variant has not been reported in the literature in individuals with COG5-related conditions. This variant is present in population databases (rs751843896, ExAC 0.006%).